The following is an entry in ClinVar:

ClinVar aggregate classification (germline): Uncertain significance (1 of 4 stars; one submission).

Conditions:
Congenital contractural arachnodactyly (CCA). Also called: BEALS SYNDROME; Arthrogryposis, distal, type 9; Beals-Hecht syndrome. Identifiers: Orphanet 115, MedGen C0220668, MONDO:0007363, OMIM 121050.

Allele frequency attached by ClinVar (database versions not stated): gnomAD exomes below 0.00001.
gnomAD v4.1: 1 of 1,613,912 alleles (0.000062%); highest among the groups gnomAD compares: Non-Finnish European, 0.000085%; no homozygotes.

Submission:

Labcorp Genetics (formerly Invitae), Labcorp
Classification: Uncertain significance for Congenital contractural arachnodactyly. Last evaluated: 2022-12-02. Review status: criteria provided, single submitter. Criteria: Invitae Variant Classification Sherloc (09022015). Collection method: clinical testing. Allele origin: germline.
Comment: In summary, the available evidence is currently insufficient to determine the role of this variant in disease. Therefore, it has been classified as a Variant of Uncertain Significance. Advanced modeling of protein sequence and biophysical properties (such as structural, functional, and spatial information, amino acid conservation, physicochemical variation, residue mobility, and thermodynamic stability) performed at Invitae indicates that this missense variant is not expected to disrupt FBN2 protein function. ClinVar contains an entry for this variant (Variation ID: 1446638). This variant has not been reported in the literature in individuals affected with FBN2-related conditions. This variant is not present in population databases (gnomAD no frequency). This sequence change replaces tyrosine, which is neutral and polar, with histidine, which is basic and polar, at codon 1071 of the FBN2 protein (p.Tyr1071His).

NM_001999.4(FBN2):c.3211T>C (p.Tyr1071His)

Genes: FBN2 (fibrillin 2; minus strand), LOC126807501 (BRD4-independent group 4 enhancer GRCh37_chr5:127680731-127681930; plus strand). Cytogenetic location: 5q23.3.
Variant type: single nucleotide variant.
Coding change: c.3211T>C on transcript NM_001999.4 (MANE Select); coding-DNA position 3211, T replaced by C.
Protein change: p.Tyr1071His; replaces tyrosine 1071 with histidine.
Molecular consequence: missense variant.
Genome position (GRCh38, 1-based): chr5:128,345,363, A>G on the plus strand (T>C on the coding strand, the complement: FBN2 is on the minus strand). VCF-style: chr5-128345363-A-G. GRCh37 (hg19) VCF-style: chr5-127681055-A-G.
Other names: short protein forms Y1071H.
Identifiers: ClinVar variation 1446638 (VCV001446638.6), dbSNP rs2126913738, ClinGen allele CA360762591.